The following is an entry in ClinVar:

NM_001267550.2(TTN):c.103370G>A (p.Arg34457Lys)

Genes: TTN (titin; minus strand), TTN-AS1 (TTN antisense RNA 1; plus strand). Cytogenetic location: 2q31.2.
Variant type: single nucleotide variant.
Coding change: c.103370G>A on transcript NM_001267550.2 (MANE Select); coding-DNA position 103370, G replaced by A.
Protein change: p.Arg34457Lys; replaces arginine 34457 with lysine.
Molecular consequence: missense variant.
Genome position (GRCh38, 1-based): chr2:178,533,245, C>T on the plus strand (G>A on the coding strand, the complement: TTN is on the minus strand). VCF-style: chr2-178533245-C-T. GRCh37 (hg19) VCF-style: chr2-179397972-C-T.
Other names: c.98447G>A, p.Arg32816Lys (NM_001256850.1); c.76175G>A, p.Arg25392Lys (NM_003319.4); c.95666G>A, p.Arg31889Lys (NM_133378.4); c.76550G>A, p.Arg25517Lys (NM_133432.3); c.76751G>A, p.Arg25584Lys (NM_133437.4); short protein forms R32816K, R25392K, R25584K, R31889K, R25517K, R34457K.
Identifiers: ClinVar variation 1934303 (VCV001934303.5), dbSNP rs2468485235, ClinGen allele CA349414431.

ClinVar aggregate classification (germline): Uncertain significance (1 of 4 stars; one submission).

Conditions:
Dilated cardiomyopathy 1G (CMD1G). Identifiers: Orphanet 154, MedGen C1858763, MONDO:0011400, OMIM 604145.
Autosomal recessive limb-girdle muscular dystrophy type 2J (LGMDR10). Also called: Limb-girdle muscular dystrophy, type 2J; MUSCULAR DYSTROPHY, LIMB-GIRDLE, AUTOSOMAL RECESSIVE 10. Identifiers: Orphanet 140922, MedGen C1837342, MONDO:0012127, OMIM 608807.

Submission:

Labcorp Genetics (formerly Invitae), Labcorp
Classification: Uncertain significance for Dilated cardiomyopathy 1G; Autosomal recessive limb-girdle muscular dystrophy type 2J. Last evaluated: 2023-01-09. Review status: criteria provided, single submitter. Criteria: Invitae Variant Classification Sherloc (09022015). Collection method: clinical testing. Allele origin: germline.
Comment: This sequence change replaces arginine, which is basic and polar, with lysine, which is basic and polar, at codon 34457 of the TTN protein (p.Arg34457Lys). In summary, the available evidence is currently insufficient to determine the role of this variant in disease. Therefore, it has been classified as a Variant of Uncertain Significance. This variant is located in the M band of TTN (PMID: 25589632). Variants in this region may be relevant for neuromuscular disorders, but have not been definitively shown to cause cardiomyopathy (PMID: 23975875). Algorithms developed to predict the effect of missense changes on protein structure and function output the following: SIFT: "Not Available"; PolyPhen-2: "Not Available"; Align-GVGD: "Not Available". The lysine amino acid residue is found in multiple mammalian species, which suggests that this missense change does not adversely affect protein function. This variant has not been reported in the literature in individuals affected with TTN-related conditions. This variant is not present in population databases (gnomAD no frequency).

Literature cited by the submitters: PubMed 25589632; PubMed 23975875.